The following is an entry in ClinVar:

ClinVar aggregate classification (germline): Uncertain significance (1 of 4 stars; one submission).

gnomAD v4.1: 3 of 1,583,648 alleles (0.00019%); highest among the groups gnomAD compares: Non-Finnish European, 0.00026%; no homozygotes.

Submission:

Ambry Genetics
Classification: Uncertain significance. Last evaluated: 2024-04-15. Review status: criteria provided, single submitter. Criteria: Ambry Variant Classification Scheme 2023. Collection method: clinical testing. Allele origin: germline.
Comment: The p.E814K variant (also known as c.2440G>A), located in coding exon 22 of the PRKDC gene, results from a G to A substitution at nucleotide position 2440. The glutamic acid at codon 814 is replaced by lysine, an amino acid with similar properties. This amino acid position is conserved. In addition, this alteration is predicted to be tolerated by in silico analysis. Based on the available evidence, the clinical significance of this variant remains unclear.

NM_006904.7(PRKDC):c.2440G>A (p.Glu814Lys)

Gene: PRKDC (protein kinase, DNA-activated, catalytic subunit; minus strand). Cytogenetic location: 8q11.21.
Variant type: single nucleotide variant.
Coding change: c.2440G>A on transcript NM_006904.7 (MANE Select); coding-DNA position 2440, G replaced by A.
Protein change: p.Glu814Lys; replaces glutamic acid 814 with lysine.
Molecular consequence: missense variant.
Genome position (GRCh38, 1-based): chr8:47,918,363, C>T on the plus strand (G>A on the coding strand, the complement: PRKDC is on the minus strand). VCF-style: chr8-47918363-C-T. GRCh37 (hg19) VCF-style: chr8-48830923-C-T.
Other names: c.2440G>A, p.Glu814Lys (NM_001081640.2); short protein forms E814K.
Identifiers: ClinVar variation 3310040 (VCV003310040.1).